The following is an entry in ClinVar:

NM_001374828.1(ARID1B):c.1533C>T (p.Pro511=)

Gene: ARID1B (AT-rich interaction domain 1B; plus strand). Cytogenetic location: 6q25.3.
Variant type: single nucleotide variant.
Coding change: c.1533C>T on transcript NM_001374828.1 (MANE Select); coding-DNA position 1533, C replaced by T.
Protein change: p.Pro511=; no amino-acid change (proline 511 retained).
Molecular consequence: synonymous variant.
Genome position (GRCh38, 1-based): chr6:156,779,213, C>T. VCF-style: chr6-156779213-C-T. GRCh37 (hg19) VCF-style: chr6-157100347-C-T.
Other names: c.1284C>T (NM_020732.3); c.1533C>T, p.Pro511= (NM_001371656.1, NM_001374820.1, NM_017519.3).
Identifiers: ClinVar variation 3347682 (VCV003347682.1).

ClinVar aggregate classification (germline): Likely benign (0 of 4 stars; one submission).

Conditions:
ARID1B-Related Disorder. Identifiers: MedGen CN381337.

Submission:

PreventionGenetics, part of Exact Sciences
Classification: Likely benign for ARID1B-related condition. Last evaluated: 2024-08-28. Review status: no assertion criteria provided. Collection method: clinical testing. Allele origin: germline.
Comment: This variant is classified as likely benign based on ACMG/AMP sequence variant interpretation guidelines (Richards et al. 2015 PMID: 25741868, with internal and published modifications).